The following is an entry in ClinVar:

NM_001371623.1(TCOF1):c.1303del (p.Gln435fs)

Gene: TCOF1 (treacle ribosome biogenesis factor 1; plus strand). Cytogenetic location: 5q32.
Variant type: Deletion.
Coding change: c.1303del on transcript NM_001371623.1 (MANE Select); coding-DNA position 1303, one base deleted (C; older notation c.1303delC).
Protein change: p.Gln435fs; shifts the reading frame from glutamine 435.
Molecular consequence: frameshift variant.
Genome position (GRCh38, 1-based): chr5:150,374,978, C deleted; the last of 6 consecutive C bases (chr5:150,374,973-150,374,978); deleting any one gives the same sequence. VCF-style (leftmost placement, unchanged base first): chr5-150374972-GC-G. GRCh37 (hg19) VCF-style: chr5-149754535-GC-G.
Other names: c.1072del, p.Gln358fs (NM_000356.4, NM_001135245.2); c.1303del, p.Gln435fs (NM_001008657.3, NM_001135243.2, NM_001135244.2 and 1 more transcripts); short protein forms Q435fs, Q358fs.
Identifiers: ClinVar variation 2136346 (VCV002136346.4), dbSNP rs2533419390, ClinGen allele CA913203545.
Genomic context (GRCh38, chr5:150,374,972, plus strand): 5'-TCCACCCTCTGGGCTCTCCCCTCATCCTGTTTCTCACTCCAGGCGAAGCCTTCAGGGAAG[GC>G]CCCCCAGGTCAGAGCCGCCTCGGCCCCTGCCAAGGAGTCCCCCAGGAAAGGGGCTGCCCC-3'

ClinVar aggregate classification (germline): Pathogenic (1 of 4 stars; one submission).

Conditions:
Treacher Collins syndrome 1 (TCS1). Also called: TCOF1-Related Treacher Collins Syndrome. Identifiers: Orphanet 861, MedGen CN315775, MONDO:0007944, OMIM 154500.

Submission:

Labcorp Genetics (formerly Invitae), Labcorp
Classification: Pathogenic for Treacher Collins syndrome 1. Last evaluated: 2022-03-20. Review status: criteria provided, single submitter. Criteria: Invitae Variant Classification Sherloc (09022015). Collection method: clinical testing. Allele origin: germline.
Comment: For these reasons, this variant has been classified as Pathogenic. This variant is also known as c.1298delC (p.Ala433fs). This premature translational stop signal has been observed in individual(s) with Treacher Collins syndrome (PMID: 20003452). This variant is not present in population databases (gnomAD no frequency). This sequence change creates a premature translational stop signal (p.Gln435Argfs*58) in the TCOF1 gene. It is expected to result in an absent or disrupted protein product. Loss-of-function variants in TCOF1 are known to be pathogenic (PMID: 8894686, 22317976).

Literature cited by the submitters: PubMed 20003452; PubMed 8894686; PubMed 22317976.